The following is an entry in ClinVar:

NM_006206.6(PDGFRA):c.1901G>A (p.Arg634Lys)

Gene: PDGFRA (platelet derived growth factor receptor alpha; plus strand). Cytogenetic location: 4q12.
Variant type: single nucleotide variant.
Coding change: c.1901G>A on transcript NM_006206.6 (MANE Select); coding-DNA position 1901, G replaced by A.
Protein change: p.Arg634Lys; replaces arginine 634 with lysine.
Molecular consequence: missense variant.
Genome position (GRCh38, 1-based): chr4:54,277,905, G>A. VCF-style: chr4-54277905-G-A. GRCh37 (hg19) VCF-style: chr4-55144072-G-A.
Other names: c.1901G>A, p.Arg634Lys (NM_001347827.2, NM_001347829.2); c.1976G>A, p.Arg659Lys (NM_001347828.2); c.1940G>A, p.Arg647Lys (NM_001347830.2); short protein forms R659K, R647K, R634K.
Identifiers: ClinVar variation 2044522 (VCV002044522.4), dbSNP rs2110310885, ClinGen allele CA356893579.
Genomic context (GRCh38, chr4:54,277,905, plus strand): 5'-CAGGAAGTTGGTAGCTCAGCTGGACTGATATGTGATTTATTCTTTCAACAGCCACGGCCA[G>A]ATCCAGTGAAAAACAAGCTCTCATGTCTGAACTGAAGATAATGACTCACCTGGGGCCACA-3'
Protein context (NP_006197.1, residues 624-644): VAVKMLKPTA[Arg634Lys]SSEKQALMSE

ClinVar aggregate classification (germline): Uncertain significance (1 of 4 stars; one submission).

Conditions:
Gastrointestinal stromal tumor. Also called: Gastrointestinal stroma tumor; Gastrointestinal stromal tumor, somatic. Identifiers: Orphanet 44890, MedGen C0238198, MeSH D046152, MONDO:0011719, OMIM 606764, HP:0100723.

Allele frequency attached by ClinVar (database versions not stated): gnomAD exomes below 0.00001.
gnomAD v4.1: 1 of 1,610,522 alleles (0.000062%); highest among the groups gnomAD compares: Non-Finnish European, 0.000085%; no homozygotes.

Submission:

Labcorp Genetics (formerly Invitae), Labcorp
Classification: Uncertain significance for Gastrointestinal stromal tumor. Last evaluated: 2023-12-13. Review status: criteria provided, single submitter. Criteria: Invitae Variant Classification Sherloc (09022015). Collection method: clinical testing. Allele origin: germline.
Comment: This sequence change replaces arginine, which is basic and polar, with lysine, which is basic and polar, at codon 634 of the PDGFRA protein (p.Arg634Lys). This variant is not present in population databases (gnomAD no frequency). This variant has not been reported in the literature in individuals affected with PDGFRA-related conditions. ClinVar contains an entry for this variant (Variation ID: 2044522). Advanced modeling of protein sequence and biophysical properties (such as structural, functional, and spatial information, amino acid conservation, physicochemical variation, residue mobility, and thermodynamic stability) performed at Invitae indicates that this missense variant is not expected to disrupt PDGFRA protein function with a negative predictive value of 80%. In summary, the available evidence is currently insufficient to determine the role of this variant in disease. Therefore, it has been classified as a Variant of Uncertain Significance.